The following is an entry in ClinVar:

NM_033305.3(VPS13A):c.7958A>C (p.Gln2653Pro)

Gene: VPS13A (vacuolar protein sorting 13 homolog A; plus strand). Cytogenetic location: 9q21.2.
Variant type: single nucleotide variant.
Coding change: c.7958A>C on transcript NM_033305.3 (MANE Select); coding-DNA position 7958, A replaced by C.
Protein change: p.Gln2653Pro; replaces glutamine 2653 with proline.
Molecular consequence: missense variant.
Genome position (GRCh38, 1-based): chr9:77,358,361, A>C. VCF-style: chr9-77358361-A-C. GRCh37 (hg19) VCF-style: chr9-79973277-A-C.
Other names: c.7841A>C, p.Gln2614Pro (NM_001018037.2); c.7958A>C, p.Gln2653Pro (NM_001018038.3, NM_015186.4); short protein forms Q2614P, Q2653P.
Identifiers: ClinVar variation 2051526 (VCV002051526.2), dbSNP rs2538153328, ClinGen allele CA373859490.
Genomic context (GRCh38, chr9:77,358,361, plus strand): 5'-CTGGTCAGGTTGTATAATTGACATATTAATATACTGATGTGTTTTTATTTTCTTAGATCC[A>C]AAATCAGATACATGGTGCTGTATTTCCCTTTGTGTTTTATCCTGTTAAACCTCCAAAGTC-3'
Protein context (NP_150648.2, residues 2643-2663): FRIQIYRIQI[Gln2653Pro]NQIHGAVFPF

ClinVar aggregate classification (germline): Uncertain significance (1 of 4 stars; one submission).

Submission:

Labcorp Genetics (formerly Invitae), Labcorp
Classification: Uncertain significance. Last evaluated: 2024-01-22. Review status: criteria provided, single submitter. Criteria: Invitae Variant Classification Sherloc (09022015). Collection method: clinical testing. Allele origin: germline.
Comment: This sequence change replaces glutamine, which is neutral and polar, with proline, which is neutral and non-polar, at codon 2653 of the VPS13A protein (p.Gln2653Pro). This variant is not present in population databases (gnomAD no frequency). This variant has not been reported in the literature in individuals affected with VPS13A-related conditions. ClinVar contains an entry for this variant (Variation ID: 2051526). Advanced modeling of protein sequence and biophysical properties (such as structural, functional, and spatial information, amino acid conservation, physicochemical variation, residue mobility, and thermodynamic stability) performed at Invitae indicates that this missense variant is expected to disrupt VPS13A protein function with a positive predictive value of 80%. In summary, the available evidence is currently insufficient to determine the role of this variant in disease. Therefore, it has been classified as a Variant of Uncertain Significance.